The following is an entry in ClinVar:

ClinVar aggregate classification (germline): Uncertain significance. Review status: criteria provided, multiple submitters, no conflicts (2 of 4 stars). 5 submissions from 5 submitters: Uncertain significance (5). Last evaluated 2025-04-23.

Conditions:
Hereditary cancer-predisposing syndrome. Also called: Tumor predisposition; Hereditary neoplastic syndrome; Hereditary Cancer Syndrome; Neoplastic Syndromes, Hereditary. Identifiers: Orphanet 140162, MedGen C0027672, MeSH D009386, MONDO:0015356.
Familial cancer of breast. Also called: hereditary breast carcinoma; BREAST CANCER, FAMILIAL; Hereditary breast cancer. Identifiers: Orphanet 227535, MedGen C0346153, MONDO:0016419, OMIM 114480. Disease mechanism: loss of function.

Allele frequency attached by ClinVar (database versions not stated): gnomAD exomes 0.00002.
gnomAD v4.1: 23 of 1,589,284 alleles (0.0014%); highest among the groups gnomAD compares: Non-Finnish European, 0.002%; no homozygotes.

Submissions (5):

Ambry Genetics
Classification: Uncertain significance for Hereditary cancer-predisposing syndrome. Last evaluated: 2025-04-23. Review status: criteria provided, single submitter. Criteria: Ambry Variant Classification Scheme 2023. Collection method: clinical testing. Allele origin: germline.
Comment: The p.L204P variant (also known as c.611T>C), located in coding exon 4 of the CHEK2 gene, results from a T to C substitution at nucleotide position 611. The leucine at codon 204 is replaced by proline, an amino acid with similar properties. This alteration has been reported in at least one subject in a study of 13087 breast cancer cases and 5488 control individuals in the UK (Decker B. et al. J Med Genet. 2017 11;54(11):732-741). This amino acid position is highly conserved in available vertebrate species. In addition, this alteration is predicted to be deleterious by in silico analysis. Based on the available evidence, the clinical significance of this variant remains unclear.

Labcorp Genetics (formerly Invitae), Labcorp
Classification: Uncertain significance for Familial cancer of breast. Last evaluated: 2025-04-10. Review status: criteria provided, single submitter. Criteria: Invitae Variant Classification Sherloc (09022015). Collection method: clinical testing. Allele origin: germline.
Comment: This sequence change replaces leucine, which is neutral and non-polar, with proline, which is neutral and non-polar, at codon 204 of the CHEK2 protein (p.Leu204Pro). This variant is not present in population databases (gnomAD no frequency). This variant has not been reported in the literature in individuals affected with CHEK2-related conditions. ClinVar contains an entry for this variant (Variation ID: 575735). An algorithm developed to predict the effect of missense changes on protein structure and function (PolyPhen-2) suggests that this variant is likely to be tolerated. RNA analysis performed to evaluate the impact of this missense change on mRNA splicing indicates it does not significantly alter splicing (internal data). In summary, the available evidence is currently insufficient to determine the role of this variant in disease. Therefore, it has been classified as a Variant of Uncertain Significance.

Color Diagnostics, LLC DBA Color Health
Classification: Uncertain significance for Hereditary cancer-predisposing syndrome. Last evaluated: 2024-10-28. Review status: criteria provided, single submitter. Criteria: ACMG Guidelines, 2015. Collection method: clinical testing. Allele origin: germline.
Comment: This missense variant replaces leucine with proline at codon 204 of the CHEK2 protein. Computational prediction suggests that this variant may have deleterious impact on protein structure and function. To our knowledge, functional studies have not been reported for this variant. This variant has been reported in an individual affected with breast cancer (PMID: 28779002). This variant has not been identified in the general population by the Genome Aggregation Database (gnomAD). The available evidence is insufficient to determine the role of this variant in disease conclusively. Therefore, this variant is classified as a Variant of Uncertain Significance.

Molecular Pathology, Peter Maccallum Cancer Centre
Classification: Uncertain significance for Familial cancer of breast. Last evaluated: 2024-05-20. Review status: criteria provided, single submitter. Criteria: ACMG Guidelines, 2015. Collection method: clinical testing. Allele origin: germline. Inheritance: Autosomal dominant inheritance.

Baylor Genetics
Classification: Uncertain significance for Familial cancer of breast. Last evaluated: 2023-07-10. Review status: criteria provided, single submitter. Criteria: ACMG Guidelines, 2015. Collection method: clinical testing. Allele origin: unknown.

Literature cited by the submitters: PubMed 28779002 (cited by Ambry Genetics and Color Diagnostics, LLC DBA Color Health).

NM_007194.4(CHEK2):c.611T>C (p.Leu204Pro)

Gene: CHEK2 (checkpoint kinase 2; minus strand). Cytogenetic location: 22q12.1.
Variant type: single nucleotide variant.
Coding change: c.611T>C on transcript NM_007194.4 (MANE Select); coding-DNA position 611, T replaced by C.
Protein change: p.Leu204Pro; replaces leucine 204 with proline.
Molecular consequence: missense variant. On other transcripts: 5 prime UTR variant (2), intron variant (1).
Genome position (GRCh38, 1-based): chr22:28,719,467, A>G on the plus strand (T>C on the coding strand, the complement: CHEK2 is on the minus strand). VCF-style: chr22-28719467-A-G. GRCh37 (hg19) VCF-style: chr22-29115455-A-G.
Other names: c.740T>C, p.Leu247Pro (NM_001005735.3, NM_001438294.1); c.-53T>C (NM_001257387.3, NM_001437942.1); c.704T>C, p.Leu235Pro (NM_001438293.1, NM_001438295.1); c.611T>C, p.Leu204Pro (NM_145862.3); c.482+5419T>C (NM_001349956.3); short protein forms L204P, L247P, L235P.
Identifiers: ClinVar variation 575735 (VCV000575735.15), dbSNP rs1569150113, ClinGen allele CA411105121.
Genomic context (GRCh38, chr22:28,719,467, plus strand): 5'-TTTGACATGATGTATTCATCTCTTAATGCCTTAGGATAAACTGACTGATCATCTACAGTC[A>G]GATCAAAAAAGACAAAAACTAAGGAAGAAAAGAGTAGAAATGGGTTTCATTAATTTATTC-3'
Protein context (NP_009125.1, residues 194-214): SRNKVFVFFD[Leu204Pro]TVDDQSVYPK